The following is an entry in ClinVar:

ClinVar aggregate classification (germline): Conflicting classifications of pathogenicity. Review status: criteria provided, conflicting classifications (1 of 4 stars). 2 submissions from 2 submitters: Uncertain significance (1); Likely benign (1). Last evaluated 2025-10-01.

Conditions:
Inborn genetic diseases. Identifiers: MedGen C0950123, MeSH D030342.

Allele frequency attached by ClinVar (database versions not stated): gnomAD 0.00001; ExAC 0.00002; TOPMed 0.00002; gnomAD exomes 0.00003.
gnomAD v4.1: 50 of 1,613,662 alleles (0.0031%); highest among the groups gnomAD compares: Non-Finnish European, 0.0042%; no homozygotes.

Submissions (2):

Labcorp Genetics (formerly Invitae), Labcorp
Classification: Uncertain significance. Last evaluated: 2025-10-01. Review status: criteria provided, single submitter. Criteria: Invitae Variant Classification Sherloc (09022015). Collection method: clinical testing. Allele origin: germline.
Comment: This sequence change replaces glycine, which is neutral and non-polar, with serine, which is neutral and polar, at codon 878 of the BCL11B protein (p.Gly878Ser). This variant is present in population databases (rs758918107, gnomAD 0.004%). This variant has not been reported in the literature in individuals affected with BCL11B-related conditions. ClinVar contains an entry for this variant (Variation ID: 2064124). Invitae Evidence Modeling of protein sequence and biophysical properties (such as structural, functional, and spatial information, amino acid conservation, physicochemical variation, residue mobility, and thermodynamic stability) indicates that this missense variant is not expected to disrupt BCL11B protein function with a negative predictive value of 95%. In summary, the available evidence is currently insufficient to determine the role of this variant in disease. Therefore, it has been classified as a Variant of Uncertain Significance.

Ambry Genetics
Classification: Likely benign for Inborn genetic diseases. Last evaluated: 2023-08-22. Review status: criteria provided, single submitter. Criteria: Ambry Variant Classification Scheme 2023. Collection method: clinical testing. Allele origin: germline.

NM_138576.4(BCL11B):c.2632G>A (p.Gly878Ser)

Gene: BCL11B (BCL11 transcription factor B; minus strand). Cytogenetic location: 14q32.2.
Variant type: single nucleotide variant.
Coding change: c.2632G>A on transcript NM_138576.4 (MANE Select); coding-DNA position 2632, G replaced by A.
Protein change: p.Gly878Ser; replaces glycine 878 with serine.
Molecular consequence: missense variant.
Genome position (GRCh38, 1-based): chr14:99,174,204, C>T on the plus strand (G>A on the coding strand, the complement: BCL11B is on the minus strand). VCF-style: chr14-99174204-C-T. GRCh37 (hg19) VCF-style: chr14-99640541-C-T.
Other names: c.2629G>A, p.Gly877Ser (NM_001282237.2); c.2416G>A, p.Gly806Ser (NM_001282238.2); c.2419G>A, p.Gly807Ser (NM_022898.3); c.2632G>A (NM_138576.2); short protein forms G807S, G878S, G806S, G877S.
Identifiers: ClinVar variation 2064124 (VCV002064124.6), dbSNP rs758918107, ClinGen allele CA7339471.
Genomic context (GRCh38, chr14:99,174,204, plus strand): 5'-CGCGCGCTTAGCTCCTCTCGGCCTGCTCGATTTTGACGTCGTTAGTCAGCAAGTGCTCGC[C>T]GTGCCACTTTTTCATGTGTTTCTCCAGGGTGCTGTAGACGCTGAAGGGCATCTGGCAGAT-3'
Protein context (NP_612808.1, residues 868-888): TLEKHMKKWH[Gly878Ser]EHLLTNDVKI